The following is an entry in ClinVar:

ClinVar aggregate classification (germline): Uncertain significance (1 of 4 stars; one submission).

gnomAD v4.1: 3 of 1,612,334 alleles (0.00019%); highest among the groups gnomAD compares: Non-Finnish European, 0.00025%; no homozygotes.

Submission:

Labcorp Genetics (formerly Invitae), Labcorp
Classification: Uncertain significance. Last evaluated: 2024-03-16. Review status: criteria provided, single submitter. Criteria: Invitae Variant Classification Sherloc (09022015). Collection method: clinical testing. Allele origin: germline.
Comment: This sequence change replaces valine, which is neutral and non-polar, with leucine, which is neutral and non-polar, at codon 320 of the RASA2 protein (p.Val320Leu). This variant is not present in population databases (gnomAD no frequency). This variant has not been reported in the literature in individuals affected with RASA2-related conditions. Advanced modeling of protein sequence and biophysical properties (such as structural, functional, and spatial information, amino acid conservation, physicochemical variation, residue mobility, and thermodynamic stability) performed at Invitae indicates that this missense variant is expected to disrupt RASA2 protein function with a positive predictive value of 80%. In summary, the available evidence is currently insufficient to determine the role of this variant in disease. Therefore, it has been classified as a Variant of Uncertain Significance.

NM_006506.5(RASA2):c.958G>T (p.Val320Leu)

Gene: RASA2 (RAS p21 protein activator 2; plus strand). Cytogenetic location: 3q23.
Variant type: single nucleotide variant.
Coding change: c.958G>T on transcript NM_006506.5 (MANE Select); coding-DNA position 958, G replaced by T.
Protein change: p.Val320Leu; replaces valine 320 with leucine.
Molecular consequence: missense variant.
Genome position (GRCh38, 1-based): chr3:141,571,006, G>T. VCF-style: chr3-141571006-G-T. GRCh37 (hg19) VCF-style: chr3-141289848-G-T.
Other names: c.958G>T, p.Val320Leu (NM_001303245.3, NM_001303246.3); short protein forms V320L.
Identifiers: ClinVar variation 3646377 (VCV003646377.2).
Genomic context (GRCh38, chr3:141,571,006, plus strand): 5'-TCATCCAAAACTGATGACCTGGGGTCTCTTCGATTAAATATATGTTATACAGAAGACTAC[G>T]TGCTTCCTTCAGAGTACTATGGTCCTTTGAAAACTTTGCTGCTAAAATCACCAGATGTTC-3'
Protein context (NP_006497.2, residues 310-330): RLNICYTEDY[Val320Leu]LPSEYYGPLK